The following is an entry in ClinVar:

NM_002103.5(GYS1):c.*611C>T

Gene: GYS1 (glycogen synthase 1; minus strand). Cytogenetic location: 19q13.33.
Variant type: single nucleotide variant.
Coding change: c.*611C>T on transcript NM_002103.5 (MANE Select); 611 bases downstream of the stop codon, C replaced by T.
Molecular consequence: 3 prime UTR variant. On other transcripts: non-coding transcript variant (1).
Genome position (GRCh38, 1-based): chr19:48,968,677, G>A on the plus strand (C>T on the coding strand, the complement: GYS1 is on the minus strand). VCF-style: chr19-48968677-G-A. GRCh37 (hg19) VCF-style: chr19-49471934-G-A.
Other names: c.*611C>T (NM_001161587.2).
Identifiers: ClinVar variation 369275 (VCV000369275.6), dbSNP rs370792196, ClinGen allele CA9562640.

ClinVar aggregate classification (germline): Likely benign (1 of 4 stars; one submission).

Conditions:
Glycogen storage disease due to muscle and heart glycogen synthase deficiency. Also called: GSD 0b; MUSCLE GLYCOGEN SYNTHASE DEFICIENCY. Identifiers: Orphanet 137625, MedGen C1969054, MONDO:0012693, OMIM 611556.

Allele frequency attached by ClinVar (database versions not stated): gnomAD 0.00003; TOPMed 0.00037; gnomAD exomes 0.00064; ExAC 0.00130.

Submission:

Illumina Laboratory Services, Illumina
Classification: Likely benign for Glycogen storage disease due to muscle and heart glycogen synthase deficiency. Last evaluated: 2018-01-12. Review status: criteria provided, single submitter. Criteria: ICSL Variant Classification Criteria 13 December 2019. Collection method: clinical testing. Allele origin: germline.
Comment: This variant was observed in the ICSL laboratory as part of a predisposition screen in an ostensibly healthy population. It had not been previously curated by ICSL or reported in the Human Gene Mutation Database (HGMD: prior to June 1st, 2018), and was therefore a candidate for classification through an automated scoring system. Utilizing variant allele frequency, disease prevalence and penetrance estimates, and inheritance mode, an automated score was calculated to assess if this variant is too frequent to cause the disease. Based on the score and internal cut-off values, a variant classified as likely benign is not then subjected to further curation. The score for this variant resulted in a classification of likely benign for this disease.